The following is an entry in ClinVar:

ClinVar aggregate classification (germline): Uncertain significance (1 of 4 stars; one submission).

Submission:

Ambry Genetics
Classification: Uncertain significance. Last evaluated: 2024-05-07. Review status: criteria provided, single submitter. Criteria: Ambry Variant Classification Scheme 2023. Collection method: clinical testing. Allele origin: germline.
Comment: The p.R57H variant (also known as c.170G>A), located in coding exon 1 of the GALNT12 gene, results from a G to A substitution at nucleotide position 170. The arginine at codon 57 is replaced by histidine, an amino acid with highly similar properties. This amino acid position is conserved. In addition, this alteration is predicted to be tolerated by in silico analysis. Based on the available evidence, the clinical significance of this variant remains unclear.

NM_024642.5(GALNT12):c.170G>A (p.Arg57His)

Gene: GALNT12 (polypeptide N-acetylgalactosaminyltransferase 12; plus strand). Cytogenetic location: 9q22.33.
Variant type: single nucleotide variant.
Coding change: c.170G>A on transcript NM_024642.5 (MANE Select); coding-DNA position 170, G replaced by A.
Protein change: p.Arg57His; replaces arginine 57 with histidine.
Molecular consequence: missense variant.
Genome position (GRCh38, 1-based): chr9:98,807,868, G>A. VCF-style: chr9-98807868-G-A. GRCh37 (hg19) VCF-style: chr9-101570150-G-A.
Other names: short protein forms R57H.
Identifiers: ClinVar variation 3280551 (VCV003280551.1).